The following is an entry in ClinVar:

NM_014055.4(IFT81):c.1469T>C (p.Val490Ala)

Gene: IFT81 (intraflagellar transport 81; plus strand). Cytogenetic location: 12q24.11.
Variant type: single nucleotide variant.
Coding change: c.1469T>C on transcript NM_014055.4 (MANE Select); coding-DNA position 1469, T replaced by C.
Protein change: p.Val490Ala; replaces valine 490 with alanine.
Molecular consequence: missense variant. On other transcripts: non-coding transcript variant (4).
Genome position (GRCh38, 1-based): chr12:110,192,618, T>C. VCF-style: chr12-110192618-T-C. GRCh37 (hg19) VCF-style: chr12-110630423-T-C.
Other names: c.1469T>C, p.Val490Ala (NM_001143779.2); c.539T>C, p.Val180Ala (NM_001347947.2, NM_001347948.2); short protein forms V180A, V490A.
Identifiers: ClinVar variation 1487013 (VCV001487013.6), dbSNP rs764881348, ClinGen allele CA6783387.

ClinVar aggregate classification (germline): Uncertain significance (1 of 4 stars; one submission).

Allele frequency attached by ClinVar (database versions not stated): TOPMed below 0.00001; gnomAD 0.00001; gnomAD exomes 0.00002; ExAC 0.00004.
gnomAD v4.1: 22 of 1,530,270 alleles (0.0014%); highest among the groups gnomAD compares: Non-Finnish European, 0.0019%; no homozygotes.

Submission:

Labcorp Genetics (formerly Invitae), Labcorp
Classification: Uncertain significance. Last evaluated: 2021-08-28. Review status: criteria provided, single submitter. Criteria: Invitae Variant Classification Sherloc (09022015). Collection method: clinical testing. Allele origin: germline.
Comment: In summary, the available evidence is currently insufficient to determine the role of this variant in disease. Therefore, it has been classified as a Variant of Uncertain Significance. Algorithms developed to predict the effect of missense changes on protein structure and function are either unavailable or do not agree on the potential impact of this missense change (SIFT: "Deleterious"; PolyPhen-2: "Possibly Damaging"; Align-GVGD: "Class C0"). This variant has not been reported in the literature in individuals affected with IFT81-related conditions. This variant is present in population databases (rs764881348, ExAC 0.008%). This sequence change replaces valine with alanine at codon 490 of the IFT81 protein (p.Val490Ala). The valine residue is highly conserved and there is a small physicochemical difference between valine and alanine.